The following is an entry in ClinVar:

ClinVar aggregate classification (germline): Uncertain significance. Review status: criteria provided, multiple submitters, no conflicts (2 of 4 stars). 2 submissions from 2 submitters: Uncertain significance (2). Last evaluated 2026-07-28.

Conditions:
Hereditary cancer-predisposing syndrome. Also called: Hereditary Cancer Syndrome; Hereditary neoplastic syndrome; Neoplastic Syndromes, Hereditary; Tumor predisposition. Identifiers: Orphanet 140162, MedGen C0027672, MeSH D009386, MONDO:0015356.
Hereditary nonpolyposis colorectal neoplasms. Identifiers: MedGen C0009405, MeSH D003123.

Submissions (2):

Ambry Genetics
Classification: Uncertain significance for Hereditary cancer-predisposing syndrome. Last evaluated: 2026-07-28. Review status: criteria provided, single submitter. Criteria: Ambry Variant Classification Scheme 2023. Collection method: clinical testing. Allele origin: germline.
Comment: The p.N71K variant (also known as c.213C>A), located in coding exon 1 of the MSH6 gene, results from a C to A substitution at nucleotide position 213. The asparagine at codon 71 is replaced by lysine, an amino acid with similar properties. This amino acid position is conserved. In addition, this alteration is predicted to be tolerated by in silico analysis. Based on the available evidence, the clinical significance of this variant remains unclear.

Labcorp Genetics (formerly Invitae), Labcorp
Classification: Uncertain significance for Hereditary nonpolyposis colorectal neoplasms. Last evaluated: 2024-10-22. Review status: criteria provided, single submitter. Criteria: Invitae Variant Classification Sherloc (09022015). Collection method: clinical testing. Allele origin: germline.
Comment: This sequence change replaces asparagine, which is neutral and polar, with lysine, which is basic and polar, at codon 71 of the MSH6 protein (p.Asn71Lys). This variant is not present in population databases (gnomAD no frequency). This variant has not been reported in the literature in individuals affected with MSH6-related conditions. Invitae Evidence Modeling of protein sequence and biophysical properties (such as structural, functional, and spatial information, amino acid conservation, physicochemical variation, residue mobility, and thermodynamic stability) indicates that this missense variant is not expected to disrupt MSH6 protein function with a negative predictive value of 95%. In summary, the available evidence is currently insufficient to determine the role of this variant in disease. Therefore, it has been classified as a Variant of Uncertain Significance.

NM_000179.3(MSH6):c.213C>A (p.Asn71Lys)

Gene: MSH6 (mutS homolog 6; plus strand). Cytogenetic location: 2p16.3.
Variant type: single nucleotide variant.
Coding change: c.213C>A on transcript NM_000179.3 (MANE Select); coding-DNA position 213, C replaced by A.
Protein change: p.Asn71Lys; replaces asparagine 71 with lysine.
Molecular consequence: missense variant. On other transcripts: 5 prime UTR variant (7), non-coding transcript variant (5), intron variant (5).
Genome position (GRCh38, 1-based): chr2:47,783,446, C>A. VCF-style: chr2-47783446-C-A. GRCh37 (hg19) VCF-style: chr2-48010585-C-A.
Other names: c.213C>A, p.Asn71Lys (NM_001281492.2, NM_001406795.1, NM_001406796.1 and 9 more transcripts); c.-524C>A (NM_001281493.2, NM_001406811.1); c.-116C>A (NM_001406799.1); c.158C>A, p.Thr53Asn (NM_001406804.1); c.-716C>A (NM_001406807.1); c.-38+215C>A (NM_001406805.1, NM_001406797.1, NM_001406801.1); c.-69+215C>A (NM_001406806.1); c.-280+215C>A (NM_001406815.1); and 3 more; short protein forms N71K, T53N.
Identifiers: ClinVar variation 2996174 (VCV002996174.4), dbSNP rs2103942668, ClinGen allele CA346735068.